The following is an entry in ClinVar:

ClinVar aggregate classification (germline): Uncertain significance (1 of 4 stars; one submission).

gnomAD v4.1: 4 of 1,613,414 alleles (0.00025%); highest among the groups gnomAD compares: South Asian, 0.0033%; no homozygotes.

Submission:

Labcorp Genetics (formerly Invitae), Labcorp
Classification: Uncertain significance. Last evaluated: 2020-11-06. Review status: criteria provided, single submitter. Criteria: Invitae Variant Classification Sherloc (09022015). Collection method: clinical testing. Allele origin: germline.
Comment: This variant has not been reported in the literature in individuals with SCO2-related conditions. Algorithms developed to predict the effect of missense changes on protein structure and function are either unavailable or do not agree on the potential impact of this missense change (SIFT: "Tolerated"; PolyPhen-2: "Probably Damaging"; Align-GVGD: "Class C15"). In summary, the available evidence is currently insufficient to determine the role of this variant in disease. Therefore, it has been classified as a Variant of Uncertain Significance. This variant is present in population databases (no rsID available, ExAC 0.006%). This sequence change replaces arginine with proline at codon 120 of the SCO2 protein (p.Arg120Pro). The arginine residue is moderately conserved and there is a moderate physicochemical difference between arginine and proline.

NM_005138.3(SCO2):c.359G>C (p.Arg120Pro)

Genes: NCAPH2 (non-SMC condensin II complex subunit H2; plus strand), SCO2 (synthesis of cytochrome C oxidase 2; minus strand). Cytogenetic location: 22q13.33.
Variant type: single nucleotide variant.
Coding change: c.359G>C on transcript NM_005138.3 (MANE Select); coding-DNA position 359, G replaced by C.
Protein change: p.Arg120Pro; replaces arginine 120 with proline.
Molecular consequence: missense variant. On other transcripts: 3 prime UTR variant (2).
Genome position (GRCh38, 1-based): chr22:50,524,053, C>G on the plus strand (G>C on the coding strand, the complement: SCO2 is on the minus strand). VCF-style: chr22-50524053-C-G. GRCh37 (hg19) VCF-style: chr22-50962482-C-G.
Other names: c.*678C>G (NM_001185011.2, NM_152299.4); c.359G>C, p.Arg120Pro (NM_001169109.2, NM_001169110.1, NM_001169111.2); short protein forms R120P.
Identifiers: ClinVar variation 1511650 (VCV001511650.8), dbSNP rs768674109, ClinGen allele CA10321222.